The following is an entry in ClinVar:

NM_006767.4(LZTR1):c.1681C>T (p.Arg561Cys)

Gene: LZTR1 (leucine zipper like post translational regulator 1; plus strand). Cytogenetic location: 22q11.21.
Variant type: single nucleotide variant.
Coding change: c.1681C>T on transcript NM_006767.4 (MANE Select); coding-DNA position 1681, C replaced by T.
Protein change: p.Arg561Cys; replaces arginine 561 with cysteine.
Molecular consequence: missense variant.
Genome position (GRCh38, 1-based): chr22:20,994,623, C>T. VCF-style: chr22-20994623-C-T. GRCh37 (hg19) VCF-style: chr22-21348912-C-T.
Other names: short protein forms R561C.
Identifiers: ClinVar variation 1777921 (VCV001777921.10), dbSNP rs755134685, ClinGen allele CA10119021.

ClinVar aggregate classification (germline): Uncertain significance. Review status: criteria provided, multiple submitters, no conflicts (2 of 4 stars). 5 submissions from 5 submitters: Uncertain significance (5). Last evaluated 2025-09-11.

Conditions:
Cardiovascular phenotype. Identifiers: MedGen CN230736.
Hereditary cancer-predisposing syndrome. Also called: Hereditary Cancer Syndrome; Hereditary neoplastic syndrome; Neoplastic Syndromes, Hereditary; Tumor predisposition. Identifiers: Orphanet 140162, MedGen C0027672, MeSH D009386, MONDO:0015356.
Noonan syndrome 10 (NS10). Identifiers: Orphanet 648, MedGen C4225280, MONDO:0014693, OMIM 616564.
LZTR1-related schwannomatosis. Also called: Schwannomatosis 2; Schwannomatosis-2, susceptibility to. Identifiers: Orphanet 93921, MedGen C3810283, MONDO:0014299, OMIM 615670.

Allele frequency attached by ClinVar (database versions not stated): TOPMed below 0.00001; ExAC 0.00001; gnomAD 0.00001; gnomAD exomes 0.00001.
gnomAD v4.1: 10 of 1,612,528 alleles (0.00062%); highest among the groups gnomAD compares: African/African-American, 0.004%; no homozygotes.

Submissions (5):

Labcorp Genetics (formerly Invitae), Labcorp
Classification: Uncertain significance. Last evaluated: 2025-09-11. Review status: criteria provided, single submitter. Criteria: Invitae Variant Classification Sherloc (09022015). Collection method: clinical testing. Allele origin: germline.
Comment: This sequence change replaces arginine, which is basic and polar, with cysteine, which is neutral and slightly polar, at codon 561 of the LZTR1 protein (p.Arg561Cys). This variant is present in population databases (rs755134685, gnomAD 0.007%). This variant has not been reported in the literature in individuals affected with LZTR1-related conditions. ClinVar contains an entry for this variant (Variation ID: 1777921). Invitae Evidence Modeling of protein sequence and biophysical properties (such as structural, functional, and spatial information, amino acid conservation, physicochemical variation, residue mobility, and thermodynamic stability) indicates that this missense variant is not expected to disrupt LZTR1 protein function with a negative predictive value of 80%. In summary, the available evidence is currently insufficient to determine the role of this variant in disease. Therefore, it has been classified as a Variant of Uncertain Significance.

Ambry Genetics
Classification: Uncertain significance for Cardiovascular phenotype; Hereditary cancer-predisposing syndrome. Last evaluated: 2024-03-01. Review status: criteria provided, single submitter. Criteria: Ambry Variant Classification Scheme 2023. Collection method: clinical testing. Allele origin: germline.
Comment: The p.R561C variant (also known as c.1681C>T), located in coding exon 15 of the LZTR1 gene, results from a C to T substitution at nucleotide position 1681. The arginine at codon 561 is replaced by cysteine, an amino acid with highly dissimilar properties. This amino acid position is highly conserved in available vertebrate species. In addition, this alteration is predicted to be deleterious by in silico analysis. Since supporting evidence is limited at this time, the clinical significance of this alteration remains unclear.

Baylor Genetics
Classification: Uncertain significance for LZTR1-related schwannomatosis. Last evaluated: 2023-11-26. Review status: criteria provided, single submitter. Criteria: ACMG Guidelines, 2015. Collection method: clinical testing. Allele origin: unknown.

Blueprint Genetics
Classification: Uncertain significance. Last evaluated: 2021-03-02. Review status: criteria provided, single submitter. Criteria: ACMG Guidelines, 2015. Collection method: clinical testing. Allele origin: germline.

Victorian Clinical Genetics Services, Murdoch Childrens Research Institute
Classification: Uncertain significance for Noonan syndrome 10. Last evaluated: 2020-05-21. Review status: criteria provided, single submitter. Criteria: ACMG Guidelines, 2015. Collection method: clinical testing. Allele origin: germline.
Comment: Based on the classification scheme VCGS_Germline_v1.1.1, this variant is classified as 3B-VUS. Following criteria are met: 0103 - Both loss- and gain-of-function are known mechanisms of disease for this gene (PMID: 30442762, 30481304) (N) 0108 - This gene is known to be associated with both recessive and dominant Noonan syndrome (OMIM; PMID: 30481304). (N) 0200 - Variant is predicted to result in a missense amino acid change from an arginine to a cysteine (exon 15). (N) 0251 - Variant is heterozygous. (N) 0302 - Variant is present in gnomAD <0.001 for a dominant condition (4 Heterozygous, 0 Homozygous). (P) 0502 - Missense variant with conflicting in silico predictions and is a major amino acid change. (N) 0600 - Variant is located in an annotated BTB_POZ domain (NCBI conserved domain). (N) 0705 - No comparable variants have previous evidence for pathogenicity. (N) 0807 - Variant has not previously been reported in a ClinVar. (N) 0905 - No segregation evidence has been identified for this variant. (N) 1007 - No published functional evidence has been identified for this variant. (N) 1208 - Inheritance information for this variant is not currently available. (N) Legend: (P) - Pathogenic, (N) - Neutral, (B) - Benign

Literature cited by the submitters: PubMed 30442762 (cited by Victorian Clinical Genetics Services, Murdoch Childrens Research Institute); PubMed 30481304 (cited by Victorian Clinical Genetics Services, Murdoch Childrens Research Institute).